The following is an entry in ClinVar:

NM_016938.5(EFEMP2):c.396C>T (p.His132=)

Gene: EFEMP2 (EGF-like fibulin extracellular matrix protein 2; minus strand). Cytogenetic location: 11q13.1.
Variant type: single nucleotide variant.
Coding change: c.396C>T on transcript NM_016938.5 (MANE Select); coding-DNA position 396, C replaced by T.
Protein change: p.His132=; no amino-acid change (histidine 132 retained).
Molecular consequence: synonymous variant. On other transcripts: non-coding transcript variant (1).
Genome position (GRCh38, 1-based): chr11:65,870,630, G>A on the plus strand (C>T on the coding strand, the complement: EFEMP2 is on the minus strand). VCF-style: chr11-65870630-G-A. GRCh37 (hg19) VCF-style: chr11-65638101-G-A.
Identifiers: ClinVar variation 472823 (VCV000472823.15), dbSNP rs545330660, ClinGen allele CA6110679.

ClinVar aggregate classification (germline): Likely benign. Review status: criteria provided, multiple submitters, no conflicts (2 of 4 stars). 4 submissions from 4 submitters: Likely benign (4). Last evaluated 2025-08-18.

Conditions:
Cardiovascular phenotype. Identifiers: MedGen CN230736.
Cutis laxa, autosomal recessive, type 1B (ARCL1B). Also called: CUTIS LAXA, AUTOSOMAL RECESSIVE, TYPE IB; EFEMP2-Related Cutis Laxa. Identifiers: Orphanet 90349, MedGen C3280798, MONDO:0013754, OMIM 614437. Disease mechanism: loss of function.

Allele frequency attached by ClinVar (database versions not stated): ExAC 0.00001; gnomAD exomes 0.00002; TOPMed 0.00003; gnomAD 0.00004; 1000 Genomes Project 30x 0.00016; 1000 Genomes Project 0.00020.
gnomAD v4.1: 48 of 1,614,016 alleles (0.003%); highest among the groups gnomAD compares: South Asian, 0.015%; no homozygotes.

Submissions (4):

Labcorp Genetics (formerly Invitae), Labcorp
Classification: Likely benign for Cutis laxa, autosomal recessive, type 1B. Last evaluated: 2025-08-18. Review status: criteria provided, single submitter. Criteria: Invitae Variant Classification Sherloc (09022015). Collection method: clinical testing. Allele origin: germline.

Women's Health and Genetics/Laboratory Corporation of America, LabCorp
Classification: Likely benign. Last evaluated: 2024-09-14. Review status: criteria provided, single submitter. Criteria: LabCorp Variant Classification Summary - May 2015. Collection method: clinical testing. Allele origin: germline.

Ambry Genetics
Classification: Likely benign for Cardiovascular phenotype. Last evaluated: 2019-09-16. Review status: criteria provided, single submitter. Criteria: Ambry Variant Classification Scheme 2023. Collection method: clinical testing. Allele origin: germline.

GeneDx
Classification: Likely benign. Last evaluated: 2017-09-21. Review status: criteria provided, single submitter. Criteria: GeneDx Variant Classification (06012015). Collection method: clinical testing. Allele origin: germline. Affected: yes.
Comment: This variant is considered likely benign or benign based on one or more of the following criteria: it is a conservative change, it occurs at a poorly conserved position in the protein, it is predicted to be benign by multiple in silico algorithms, and/or has population frequency not consistent with disease.